The following is an entry in ClinVar:

ClinVar aggregate classification (germline): Uncertain significance (1 of 4 stars; one submission).

gnomAD v4.1: 4 of 1,597,850 alleles (0.00025%); highest among the groups gnomAD compares: Non-Finnish European, 0.00034%; no homozygotes.

Submission:

Labcorp Genetics (formerly Invitae), Labcorp
Classification: Uncertain significance. Last evaluated: 2022-01-13. Review status: criteria provided, single submitter. Criteria: Invitae Variant Classification Sherloc (09022015). Collection method: clinical testing. Allele origin: germline.
Comment: In summary, the available evidence is currently insufficient to determine the role of this variant in disease. Therefore, it has been classified as a Variant of Uncertain Significance. Algorithms developed to predict the effect of missense changes on protein structure and function (SIFT, PolyPhen-2, Align-GVGD) all suggest that this variant is likely to be tolerated. This variant has not been reported in the literature in individuals affected with PYROXD1-related conditions. This variant is not present in population databases (gnomAD no frequency). This sequence change replaces aspartic acid, which is acidic and polar, with asparagine, which is neutral and polar, at codon 37 of the PYROXD1 protein (p.Asp37Asn).

NM_024854.5(PYROXD1):c.109G>A (p.Asp37Asn)

Gene: PYROXD1 (pyridine nucleotide-disulphide oxidoreductase domain 1; plus strand). Cytogenetic location: 12p12.1.
Variant type: single nucleotide variant.
Coding change: c.109G>A on transcript NM_024854.5 (MANE Select); coding-DNA position 109, G replaced by A.
Protein change: p.Asp37Asn; replaces aspartic acid 37 with asparagine.
Molecular consequence: missense variant. On other transcripts: 5 prime UTR variant (2).
Genome position (GRCh38, 1-based): chr12:21,440,392, G>A. VCF-style: chr12-21440392-G-A. GRCh37 (hg19) VCF-style: chr12-21593326-G-A.
Other names: c.-105G>A (NM_001350912.2); c.-595G>A (NM_001350913.2); short protein forms D37N.
Identifiers: ClinVar variation 1394717 (VCV001394717.8), dbSNP rs2137237875, ClinGen allele CA384298696.